The following is an entry in ClinVar:

NM_001142800.2(EYS):c.7937C>T (p.Thr2646Ile)

Gene: EYS (EGF-like photoreceptor maintenance factor; minus strand). Cytogenetic location: 6q12.
Variant type: single nucleotide variant.
Coding change: c.7937C>T on transcript NM_001142800.2 (MANE Select); coding-DNA position 7937, C replaced by T.
Protein change: p.Thr2646Ile; replaces threonine 2646 with isoleucine.
Molecular consequence: missense variant.
Genome position (GRCh38, 1-based): chr6:63,762,595, G>A on the plus strand (C>T on the coding strand, the complement: EYS is on the minus strand). VCF-style: chr6-63762595-G-A. GRCh37 (hg19) VCF-style: chr6-64472488-G-A.
Other names: c.7937C>T, p.Thr2646Ile (NM_001292009.2); short protein forms T2646I.
Identifiers: ClinVar variation 852604 (VCV000852604.6), dbSNP rs949510910, ClinGen allele CA140241325.
Genomic context (GRCh38, chr6:63,762,595, plus strand): 5'-GCTCCTCTGCTACAGTGGTGTGGAGGGTCATGTTCAGGATCACAGGTAGAAACTGTCTCT[G>A]TGCAGAATGATCCTTTCCACCCAGTGGTACAATTGCAGCTGTGGGTTGAGAGAAAGCCGC-3'
Protein context (NP_001136272.1, residues 2636-2656): CTTGWKGSFC[Thr2646Ile]ETVSTCDPEH

ClinVar aggregate classification (germline): Uncertain significance. Review status: criteria provided, multiple submitters, no conflicts (2 of 4 stars). 3 submissions from 3 submitters: Uncertain significance (2). 1 of the submissions does not count toward it. Last evaluated 2026-09-16.

Conditions:
Autosomal recessive retinitis pigmentosa. Identifiers: MedGen C0339526.
EYS-related disorder. Also called: EYS-related condition.

Allele frequency attached by ClinVar (database versions not stated): gnomAD exomes below 0.00001 and 0.00002; gnomAD 0.00002 and 0.00003; TOPMed 0.00006.
gnomAD v4.1: 10 of 1,550,198 alleles (0.00065%); highest among the groups gnomAD compares: African/African-American, 0.011%; no homozygotes.

Submissions (3):

PreventionGenetics, part of Exact Sciences
Classification: Uncertain significance for EYS-related condition. Last evaluated: 2026-09-16. Review status: criteria provided, single submitter. Criteria: ACMG Guidelines, 2015. Collection method: clinical testing. Allele origin: germline.
Comment: The EYS c.7937C>T variant is predicted to result in the amino acid substitution p.Thr2646Ile. To our knowledge, this variant has not been reported in the literature. This variant is reported in 0.018% of alleles in individuals of African descent in gnomAD. At this time, the clinical significance of this variant is uncertain due to the absence of conclusive functional and genetic evidence.

Labcorp Genetics (formerly Invitae), Labcorp
Classification: Uncertain significance. Last evaluated: 2024-02-24. Review status: criteria provided, single submitter. Criteria: Invitae Variant Classification Sherloc (09022015). Collection method: clinical testing. Allele origin: germline.
Comment: This sequence change replaces threonine, which is neutral and polar, with isoleucine, which is neutral and non-polar, at codon 2646 of the EYS protein (p.Thr2646Ile). This variant is present in population databases (no rsID available, gnomAD 0.02%). This variant has not been reported in the literature in individuals affected with EYS-related conditions. ClinVar contains an entry for this variant (Variation ID: 852604). Advanced modeling of protein sequence and biophysical properties (such as structural, functional, and spatial information, amino acid conservation, physicochemical variation, residue mobility, and thermodynamic stability) has been performed at Invitae for this missense variant, however the output from this modeling did not meet the statistical confidence thresholds required to predict the impact of this variant on EYS protein function. In summary, the available evidence is currently insufficient to determine the role of this variant in disease. Therefore, it has been classified as a Variant of Uncertain Significance.

Natera, Inc.
Classification: Uncertain significance for Autosomal recessive retinitis pigmentosa. Last evaluated: 2020-09-16. Review status: no assertion criteria provided. Collection method: clinical testing. Allele origin: germline. Not counted in ClinVar's aggregate classification.